The following is an entry in ClinVar:

NM_014679.5(CEP57):c.505G>A (p.Val169Ile)

Gene: CEP57 (centrosomal protein 57; plus strand). Cytogenetic location: 11q21.
Variant type: single nucleotide variant.
Coding change: c.505G>A on transcript NM_014679.5 (MANE Select); coding-DNA position 505, G replaced by A.
Protein change: p.Val169Ile; replaces valine 169 with isoleucine.
Molecular consequence: missense variant.
Genome position (GRCh38, 1-based): chr11:95,817,787, G>A. VCF-style: chr11-95817787-G-A. GRCh37 (hg19) VCF-style: chr11-95550951-G-A.
Other names: c.478G>A, p.Val160Ile (NM_001243776.2); c.505G>A, p.Val169Ile (NM_001243777.2); c.424G>A, p.Val142Ile (NM_001363604.2); c.505G>A (NM_014679.4); short protein forms V142I, V160I, V169I.
Identifiers: ClinVar variation 2867506 (VCV002867506.4), dbSNP rs749224682, ClinGen allele CA382422609.

ClinVar aggregate classification (germline): Uncertain significance. Review status: criteria provided, multiple submitters, no conflicts (2 of 4 stars). 2 submissions from 2 submitters: Uncertain significance (2). Last evaluated 2025-10-08.

Conditions:
Mosaic variegated aneuploidy syndrome 2 (MVA2). Identifiers: Orphanet 1052, MedGen C3279843, MONDO:0013582, OMIM 614114.
Inborn genetic diseases. Identifiers: MedGen C0950123, MeSH D030342.

Submissions (2):

Ambry Genetics
Classification: Uncertain significance for Inborn genetic diseases. Last evaluated: 2025-10-08. Review status: criteria provided, single submitter. Criteria: Ambry Variant Classification Scheme 2023. Collection method: clinical testing. Allele origin: germline.
Comment: The p.V169I variant (also known as c.505G>A) is located in coding exon 5 of the CEP57 gene. The valine at codon 169 is replaced by isoleucine, an amino acid with highly similar properties. This change occurs in the first base pair of coding exon 5. This amino acid position is conserved. In addition, this alteration is predicted to be tolerated by in silico analysis. Based on the available evidence, the clinical significance of this variant remains unclear.

Labcorp Genetics (formerly Invitae), Labcorp
Classification: Uncertain significance for Mosaic variegated aneuploidy syndrome 2. Last evaluated: 2023-12-22. Review status: criteria provided, single submitter. Criteria: Invitae Variant Classification Sherloc (09022015). Collection method: clinical testing. Allele origin: germline.
Comment: This sequence change replaces valine, which is neutral and non-polar, with isoleucine, which is neutral and non-polar, at codon 169 of the CEP57 protein (p.Val169Ile). This variant is not present in population databases (gnomAD no frequency). This variant has not been reported in the literature in individuals affected with CEP57-related conditions. An algorithm developed to predict the effect of missense changes on protein structure and function (PolyPhen-2) suggests that this variant is likely to be disruptive. In summary, the available evidence is currently insufficient to determine the role of this variant in disease. Therefore, it has been classified as a Variant of Uncertain Significance.